The following is an entry in ClinVar:

ClinVar aggregate classification (germline): Benign/Likely benign. Review status: criteria provided, multiple submitters, no conflicts (2 of 4 stars). 4 submissions from 4 submitters: Benign (1); Likely benign (3). Last evaluated 2024-09-16.

Conditions:
Hereditary cancer-predisposing syndrome. Also called: Hereditary Cancer Syndrome; Hereditary neoplastic syndrome; Neoplastic Syndromes, Hereditary; Tumor predisposition. Identifiers: Orphanet 140162, MedGen C0027672, MeSH D009386, MONDO:0015356.
Hereditary diffuse gastric adenocarcinoma (HDGC). Also called: DIFFUSE GASTRIC AND LOBULAR BREAST CANCER SYNDROME. Identifiers: Orphanet 26106, MedGen C1708349, MONDO:0007648, OMIM 137215.

Allele frequency attached by ClinVar (database versions not stated): gnomAD exomes below 0.00001; ExAC 0.00001; gnomAD 0.00001.
gnomAD v4.1: 8 of 1,614,068 alleles (0.0005%); highest among the groups gnomAD compares: Non-Finnish European, 0.00051%; no homozygotes.

Submissions (4):

Myriad Genetics, Inc.
Classification: Benign for Hereditary diffuse gastric adenocarcinoma. Last evaluated: 2024-09-16. Review status: criteria provided, single submitter. Criteria: Myriad Autosomal Dominant, Autosomal Recessive and X-Linked Classification Criteria (2023). Collection method: clinical testing. Allele origin: unknown.
Comment: This variant is considered benign. This variant is a silent/synonymous amino acid change and it is not expected to impact splicing.

Labcorp Genetics (formerly Invitae), Labcorp
Classification: Likely benign for Hereditary diffuse gastric adenocarcinoma. Last evaluated: 2024-07-11. Review status: criteria provided, single submitter. Criteria: Invitae Variant Classification Sherloc (09022015). Collection method: clinical testing. Allele origin: germline.

Ambry Genetics
Classification: Likely benign for Hereditary cancer-predisposing syndrome. Last evaluated: 2019-12-11. Review status: criteria provided, single submitter. Criteria: Ambry Variant Classification Scheme 2023. Collection method: clinical testing. Allele origin: germline.

Color Diagnostics, LLC DBA Color Health
Classification: Likely benign for Hereditary cancer-predisposing syndrome. Last evaluated: 2019-10-24. Review status: criteria provided, single submitter. Criteria: ACMG Guidelines, 2015. Collection method: clinical testing. Allele origin: germline.

NM_004360.5(CDH1):c.768T>C (p.Asn256=)

Gene: CDH1 (cadherin 1; plus strand). Cytogenetic location: 16q22.1.
Variant type: single nucleotide variant.
Coding change: c.768T>C on transcript NM_004360.5 (MANE Select); coding-DNA position 768, T replaced by C.
Protein change: p.Asn256=; no amino-acid change (asparagine 256 retained).
Molecular consequence: synonymous variant. On other transcripts: 5 prime UTR variant (2).
Genome position (GRCh38, 1-based): chr16:68,810,277, T>C. VCF-style: chr16-68810277-T-C. GRCh37 (hg19) VCF-style: chr16-68844180-T-C.
Other names: c.768T>C, p.Asn256= (NM_001317184.2); c.-848T>C (NM_001317185.2); c.-1052T>C (NM_001317186.2).
Identifiers: ClinVar variation 925248 (VCV000925248.13), dbSNP rs759207947, ClinGen allele CA8129930.